The following is an entry in ClinVar:

ClinVar aggregate classification (germline): Uncertain significance (1 of 4 stars; one submission).

Conditions:
Hereditary cancer-predisposing syndrome. Also called: Tumor predisposition; Hereditary Cancer Syndrome; Neoplastic Syndromes, Hereditary; Hereditary neoplastic syndrome. Identifiers: Orphanet 140162, MedGen C0027672, MeSH D009386, MONDO:0015356.

Submission:

Ambry Genetics
Classification: Uncertain significance for Hereditary cancer-predisposing syndrome. Last evaluated: 2019-04-04. Review status: criteria provided, single submitter. Criteria: Ambry Variant Classification Scheme 2023. Collection method: clinical testing. Allele origin: germline.
Comment: The p.L9V variant (also known as c.25C>G), located in coding exon 1 of the BLM gene, results from a C to G substitution at nucleotide position 25. The leucine at codon 9 is replaced by valine, an amino acid with highly similar properties. This amino acid position is highly conserved in available vertebrate species. In addition, the in silico prediction for this alteration is inconclusive. Since supporting evidence is limited at this time, the clinical significance of this alteration remains unclear.

NM_000057.4(BLM):c.25C>G (p.Leu9Val)

Gene: BLM (BLM RecQ like helicase; plus strand). Cytogenetic location: 15q26.1.
Variant type: single nucleotide variant.
Coding change: c.25C>G on transcript NM_000057.4 (MANE Select); coding-DNA position 25, C replaced by G.
Protein change: p.Leu9Val; replaces leucine 9 with valine.
Molecular consequence: missense variant. On other transcripts: 5 prime UTR variant (1).
Genome position (GRCh38, 1-based): chr15:90,747,417, C>G. VCF-style: chr15-90747417-C-G. GRCh37 (hg19) VCF-style: chr15-91290647-C-G.
Other names: c.25C>G, p.Leu9Val (NM_001287246.2, NM_001287247.2); c.-1267C>G (NM_001287248.2); short protein forms L9V.
Identifiers: ClinVar variation 821552 (VCV000821552.4), dbSNP rs1596215640, ClinGen allele CA393838813.
Genomic context (GRCh38, chr15:90,747,417, plus strand): 5'-CTCCACTGATTTCTTTTTCCCTCACTTTTTAGGATTATGGCTGCTGTTCCTCAAAATAAT[C>G]TACAGGAGCAACTAGAACGTCACTCAGCCAGAACACTTAATAATAAATTAAGTCTTTCAA-3'
Protein context (NP_000048.1, residues 1-19): MAAVPQNN[Leu9Val]QEQLERHSAR